The following is an entry in ClinVar:

ClinVar aggregate classification (germline): Likely pathogenic (1 of 4 stars; one submission).

Conditions:
Deafness-lymphedema-leukemia syndrome. Also called: Emberger syndrome; Lymphedema, primary, with myelodysplasia. Identifiers: Orphanet 3226, MedGen C3279664, MONDO:0013540, OMIM 614038.
GATA2 deficiency with susceptibility to MDS/AML. Identifiers: MedGen CN300066, MONDO:0042982.

Submission:

Molecular Pathology Research Laboratory, SA Pathology
Classification: Likely pathogenic for GATA2 deficiency with susceptibility to MDS/AML; Deafness-lymphedema-leukemia syndrome. Last evaluated: 2021-07-06. Review status: criteria provided, single submitter. Criteria: ACMG Guidelines, 2015. Collection method: curation. Allele origin: unknown. Inheritance: Autosomal dominant inheritance. Affected: yes. Observed: 1 variant allele.
Comment: PS4_Supporting, PM1, PM2, PM5, PP3

Literature cited by the submitters: PubMed 29724903.

NM_032638.5(GATA2):c.1118G>A (p.Cys373Tyr)

Gene: GATA2 (GATA binding protein 2; minus strand). Cytogenetic location: 3q21.3.
Variant type: single nucleotide variant.
Coding change: c.1118G>A on transcript NM_032638.5 (MANE Select); coding-DNA position 1118, G replaced by A.
Protein change: p.Cys373Tyr; replaces cysteine 373 with tyrosine.
Molecular consequence: missense variant.
Genome position (GRCh38, 1-based): chr3:128,481,844, C>T on the plus strand (G>A on the coding strand, the complement: GATA2 is on the minus strand). VCF-style: chr3-128481844-C-T. GRCh37 (hg19) VCF-style: chr3-128200687-C-T.
Other names: c.1118G>A, p.Cys373Tyr (NM_001145661.2); c.1076G>A, p.Cys359Tyr (NM_001145662.1); short protein forms C359Y, C373Y.
Identifiers: ClinVar variation 1184165 (VCV001184165.1), dbSNP rs2107668617, ClinGen allele CA354413502.